The following is an entry in ClinVar:

ClinVar aggregate classification (germline): Uncertain significance. Review status: criteria provided, multiple submitters, no conflicts (2 of 4 stars). 4 submissions from 4 submitters: Uncertain significance (4). Last evaluated 2024-05-01.

Conditions:
CDAN1-related disorder. Also called: CDAN1-related condition.
Anemia, congenital dyserythropoietic, type 1a (CDAN1A). Also called: CDAN1-Related Congenital Dyserythropoietic Anemia; DYSERYTHROPOIETIC ANEMIA, CONGENITAL, TYPE Ia. Identifiers: MedGen C5574667, MONDO:0009135, OMIM 224120.
Inborn genetic diseases. Identifiers: MedGen C0950123, MeSH D030342.

Allele frequency attached by ClinVar (database versions not stated): ExAC 0.00002; gnomAD 0.00002 and 0.00003; TOPMed 0.00002; gnomAD exomes 0.00003.
gnomAD v4.1: 39 of 1,613,842 alleles (0.0024%); highest among the groups gnomAD compares: South Asian, 0.022%; no homozygotes.

Submissions (5):

Ambry Genetics
Classification: Uncertain significance for Inborn genetic diseases. Last evaluated: 2024-05-01. Review status: criteria provided, single submitter. Criteria: Ambry Variant Classification Scheme 2023. Collection method: clinical testing. Allele origin: germline.

PreventionGenetics, part of Exact Sciences
Classification: Uncertain significance for CDAN1-related condition. Last evaluated: 2023-04-17. Review status: criteria provided, single submitter. Criteria: ACMG Guidelines, 2015. Collection method: clinical testing. Allele origin: germline.
Comment: The CDAN1 c.2800C>T variant is predicted to result in the amino acid substitution p.Arg934Trp. To our knowledge, this variant has not been reported in the literature. This variant is reported in 0.0054% of alleles in individuals of East Asian descent in gnomAD. At this time, the clinical significance of this variant is uncertain due to the absence of conclusive functional and genetic evidence.

Labcorp Genetics (formerly Invitae), Labcorp
Classification: Uncertain significance. Last evaluated: 2022-09-27. Review status: criteria provided, single submitter. Criteria: Invitae Variant Classification Sherloc (09022015). Collection method: clinical testing. Allele origin: germline.
Comment: This sequence change replaces arginine, which is basic and polar, with tryptophan, which is neutral and slightly polar, at codon 934 of the CDAN1 protein (p.Arg934Trp). This variant is present in population databases (rs751799284, gnomAD 0.006%). This variant has not been reported in the literature in individuals affected with CDAN1-related conditions. ClinVar contains an entry for this variant (Variation ID: 1516232). Algorithms developed to predict the effect of missense changes on protein structure and function are either unavailable or do not agree on the potential impact of this missense change (SIFT: "Deleterious"; PolyPhen-2: "Possibly Damaging"; Align-GVGD: "Class C0"). Algorithms developed to predict the effect of sequence changes on RNA splicing suggest that this variant may disrupt the consensus splice site. In summary, the available evidence is currently insufficient to determine the role of this variant in disease. Therefore, it has been classified as a Variant of Uncertain Significance.

Revvity Omics, Revvity
Classification: Uncertain significance for Anemia, congenital dyserythropoietic, type 1a. Last evaluated: 2021-05-13. Review status: criteria provided, single submitter. Criteria: ACMG Guidelines, 2015. Collection method: clinical testing. Allele origin: germline.

Dr. Peter K. Rogan Lab, Western University
No classification provided (evidence only). Condition: Ovarian serous cystadenocarcinoma. Review status: no classification provided. Collection method: in vitro. Allele origin: not applicable. Functional consequence: retained intron. Not counted in ClinVar's aggregate classification.

NM_138477.4(CDAN1):c.2800C>T (p.Arg934Trp)

Gene: CDAN1 (codanin 1; minus strand). Cytogenetic location: 15q15.2.
Variant type: single nucleotide variant.
Coding change: c.2800C>T on transcript NM_138477.4 (MANE Select); coding-DNA position 2800, C replaced by T.
Protein change: p.Arg934Trp; replaces arginine 934 with tryptophan.
Molecular consequence: missense variant.
Genome position (GRCh38, 1-based): chr15:42,728,656, G>A on the plus strand (C>T on the coding strand, the complement: CDAN1 is on the minus strand). VCF-style: chr15-42728656-G-A. GRCh37 (hg19) VCF-style: chr15-43020854-G-A.
Other names: c.2800C>T (NM_138477.2); short protein forms R934W.
Identifiers: ClinVar variation 1516232 (VCV001516232.9), dbSNP rs751799284, ClinGen allele CA7515469.